The following is an entry in ClinVar:

ClinVar aggregate classification (germline): Benign/Likely benign. Review status: criteria provided, multiple submitters, no conflicts (2 of 4 stars). 2 submissions from 2 submitters: Benign (1); Likely benign (1). Last evaluated 2026-01-31.

Conditions:
Pyruvate dehydrogenase E1-beta deficiency (PDHBD). Identifiers: Orphanet 255138, Orphanet 765, MedGen C3279841, MONDO:0013580, OMIM 614111.

Allele frequency attached by ClinVar (database versions not stated): gnomAD exomes 0.00029; ExAC 0.00035; 1000 Genomes Project 30x 0.00078; 1000 Genomes Project 0.00080; TOPMed 0.00121; ESP Exome Variant Server 0.00123.
gnomAD v4.1: 357 of 1,608,728 alleles (0.022%); highest among the groups gnomAD compares: African/African-American, 0.37%; 1 homozygote.

Submissions (2):

Labcorp Genetics (formerly Invitae), Labcorp
Classification: Benign for Pyruvate dehydrogenase E1-beta deficiency. Last evaluated: 2026-01-31. Review status: criteria provided, single submitter. Criteria: Invitae Variant Classification Sherloc (09022015). Collection method: clinical testing. Allele origin: germline.

GeneDx
Classification: Likely benign. Last evaluated: 2017-11-10. Review status: criteria provided, single submitter. Criteria: GeneDx Variant Classification (06012015). Collection method: clinical testing. Allele origin: germline. Affected: yes.
Comment: This variant is considered likely benign or benign based on one or more of the following criteria: it is a conservative change, it occurs at a poorly conserved position in the protein, it is predicted to be benign by multiple in silico algorithms, and/or has population frequency not consistent with disease.

NM_000925.4(PDHB):c.204+9A>C

Gene: PDHB (pyruvate dehydrogenase E1 subunit beta; minus strand). Cytogenetic location: 3p14.3.
Variant type: single nucleotide variant.
Coding change: c.204+9A>C on transcript NM_000925.4 (MANE Select); 9 bases into the intron after coding-DNA position 204, A replaced by C.
Molecular consequence: intron variant.
Genome position (GRCh38, 1-based): chr3:58,431,868, T>G on the plus strand (A>C on the coding strand, the complement: PDHB is on the minus strand). VCF-style: chr3-58431868-T-G. GRCh37 (hg19) VCF-style: chr3-58417595-T-G.
Other names: c.150+9A>C (NM_001315536.2); c.204+9A>C (NM_001173468.2).
Identifiers: ClinVar variation 378345 (VCV000378345.11), dbSNP rs202068841, ClinGen allele CA2471633.
Genomic context (GRCh38, chr3:58,431,868, plus strand): 5'-TGATCCCTTAAGTGTATCTGGGGGTAACAGTGACCTCAATTTTGTATAACTTTCATATAT[T>G]TTAGTTACCTTGTATGCCCCATCATACTGGGCAACTTCTTCTCCAAGCAGAAATACCTTC-3'